The following is an entry in ClinVar:

ClinVar aggregate classification (germline): Likely benign. Review status: criteria provided, multiple submitters, no conflicts (2 of 4 stars). 3 submissions from 3 submitters: Likely benign (3). Last evaluated 2025-07-30.

Conditions:
Developmental and epileptic encephalopathy, 12 (DEE12). Identifiers: MedGen C3150988, MONDO:0013389, OMIM 613722.

Submissions (3):

Labcorp Genetics (formerly Invitae), Labcorp
Classification: Likely benign for Developmental and epileptic encephalopathy, 12. Last evaluated: 2025-07-30. Review status: criteria provided, single submitter. Criteria: Invitae Variant Classification Sherloc (09022015). Collection method: clinical testing. Allele origin: germline.

CeGaT Center for Human Genetics Tuebingen
Classification: Likely benign. Last evaluated: 2024-08-01. Review status: criteria provided, single submitter. Criteria: CeGaT Center For Human Genetics Tuebingen Variant Classification Criteria Version 2. Collection method: clinical testing. Allele origin: germline. Affected: yes. Observed: 2 variant alleles.
Comment: PNKP: BP4

GeneDx
Classification: Likely benign. Last evaluated: 2017-06-22. Review status: criteria provided, single submitter. Criteria: GeneDx Variant Classification (06012015). Collection method: clinical testing. Allele origin: germline. Affected: yes.
Comment: This variant is considered likely benign or benign based on one or more of the following criteria: it is a conservative change, it occurs at a poorly conserved position in the protein, it is predicted to be benign by multiple in silico algorithms, and/or has population frequency not consistent with disease.

NM_007254.4(PNKP):c.1188+8del

Gene: PNKP (polynucleotide kinase 3'-phosphatase; minus strand). Cytogenetic location: 19q13.33.
Variant type: Deletion.
Coding change: c.1188+8del on transcript NM_007254.4 (MANE Select); 8 bases into the intron after coding-DNA position 1188, one base deleted (C; older notation c.1188+8delC).
Molecular consequence: intron variant.
Genome position (GRCh38, 1-based): chr19:49,862,036, G deleted on the plus strand (C on the coding strand, the reverse complement: PNKP is on the minus strand); the first of 2 consecutive G bases (chr19:49,862,036-49,862,037); deleting either gives the same sequence. VCF-style (leftmost placement, unchanged base first): chr19-49862035-TG-T. GRCh37 (hg19) VCF-style: chr19-50365292-TG-T.
Other names: c.1188+8del (NM_007254.3); c.1188+8delC (NM_007254.2).
Identifiers: ClinVar variation 418422 (VCV000418422.45), dbSNP rs763782151, ClinGen allele CA9586557.